The following is an entry in ClinVar:

ClinVar aggregate classification (germline): Conflicting classifications of pathogenicity. Review status: criteria provided, conflicting classifications (1 of 4 stars). 8 submissions from 8 submitters: Uncertain significance (6); Likely benign (2). Last evaluated 2026-02-02.

Conditions:
Hereditary cancer-predisposing syndrome. Also called: Tumor predisposition; Hereditary Cancer Syndrome; Hereditary neoplastic syndrome; Neoplastic Syndromes, Hereditary. Identifiers: Orphanet 140162, MedGen C0027672, MeSH D009386, MONDO:0015356.
Familial cancer of breast. Also called: BREAST CANCER, FAMILIAL; Hereditary breast cancer; hereditary breast carcinoma. Identifiers: Orphanet 227535, MedGen C0346153, MONDO:0016419, OMIM 114480. Disease mechanism: loss of function.

Allele frequency attached by ClinVar (database versions not stated): gnomAD exomes 0.00001 and 0.00004; ExAC 0.00002; gnomAD 0.00002 and 0.00003; TOPMed 0.00003.
gnomAD v4.1: 20 of 1,614,068 alleles (0.0012%); highest among the groups gnomAD compares: Admixed American, 0.018%; 1 homozygote.

Submissions (8):

Labcorp Genetics (formerly Invitae), Labcorp
Classification: Uncertain significance for Familial cancer of breast. Last evaluated: 2026-02-02. Review status: criteria provided, single submitter. Criteria: Invitae Variant Classification Sherloc (09022015). Collection method: clinical testing. Allele origin: germline.
Comment: This sequence change replaces aspartic acid, which is acidic and polar, with asparagine, which is neutral and polar, at codon 727 of the BARD1 protein (p.Asp727Asn). This variant is present in population databases (rs730881424, gnomAD 0.03%). This variant has not been reported in the literature in individuals affected with BARD1-related conditions. ClinVar contains an entry for this variant (Variation ID: 182054). An algorithm developed to predict the effect of missense changes on protein structure and function outputs the following: PolyPhen-2: "Benign". The asparagine amino acid residue is found in multiple mammalian species, which suggests that this missense change does not adversely affect protein function. In summary, the available evidence is currently insufficient to determine the role of this variant in disease. Therefore, it has been classified as a Variant of Uncertain Significance.

Quest Diagnostics Nichols Institute San Juan Capistrano
Classification: Uncertain significance. Last evaluated: 2025-02-05. Review status: criteria provided, single submitter. Criteria: Quest Diagnostics criteria. Collection method: clinical testing. Allele origin: unknown.
Comment: The BARD1 c.2179G>A (p.Asp727Asn) variant has been reported in the published literature in an individual with hypersensitivity to ionizing radiation (PMID: 34153142 (2021)). It has also been reported as a somatic variant detected in a stomach cancer tissue specimen (PMID: 29292755 (2017)). The frequency of this variant in the general population (Genome Aggregation Database) is higher than would generally be expected for pathogenic variants in this gene. Analysis of this variant using bioinformatics tools for the prediction of the effect of amino acid changes on protein structure and function yielded predictions that this variant is benign. Based on the available information, we are unable to determine the clinical significance of this variant.

Ambry Genetics
Classification: Uncertain significance for Hereditary cancer-predisposing syndrome. Last evaluated: 2024-11-01. Review status: criteria provided, single submitter. Criteria: Ambry Variant Classification Scheme 2023. Collection method: clinical testing. Allele origin: germline.
Comment: The p.D727N variant (also known as c.2179G>A), located in coding exon 11 of the BARD1 gene, results from a G to A substitution at nucleotide position 2179. The aspartic acid at codon 727 is replaced by asparagine, an amino acid with highly similar properties. This amino acid position is not well conserved in available vertebrate species. In addition, this alteration is predicted to be tolerated by in silico analysis. Since supporting evidence is limited at this time, the clinical significance of this alteration remains unclear.

Color Diagnostics, LLC DBA Color Health
Classification: Likely benign for Hereditary cancer-predisposing syndrome. Last evaluated: 2024-09-19. Review status: criteria provided, single submitter. Criteria: ACMG Guidelines, 2015. Collection method: clinical testing. Allele origin: germline.

Myriad Genetics, Inc.
Classification: Likely benign for Familial cancer of breast. Last evaluated: 2024-07-30. Review status: criteria provided, single submitter. Criteria: Myriad Autosomal Dominant, Autosomal Recessive and X-Linked Classification Criteria (2023). Collection method: clinical testing. Allele origin: unknown.
Comment: This variant is considered likely benign. This variant is strongly associated with less severe personal and family histories of cancer, typical for individuals without pathogenic variants in this gene [PMID: 25085752].

Department of Pathology and Laboratory Medicine, Sinai Health System
Classification: Uncertain significance for Familial cancer of breast. Last evaluated: 2021-09-14. Review status: criteria provided, single submitter. Criteria: ACMG Guidelines, 2015. Collection method: clinical testing. Allele origin: germline. Affected: yes.

GeneDx
Classification: Uncertain significance. Last evaluated: 2018-07-09. Review status: criteria provided, single submitter. Criteria: GeneDx Variant Classification (06012015). Collection method: clinical testing. Allele origin: germline. Affected: yes.
Comment: This variant is denoted BARD1 c.2179G>A at the cDNA level, p.Asp727Asn (D727N) at the protein level, and results in the change of an Aspartic Acid to an Asparagine (GAT>AAT). This variant has not, to our knowledge, been published in the literature as a pathogenic or benign germline variant. BARD1 Asp727Asn was not observed at a significant allele frequency in large population cohorts (Lek 2016). BARD1 Asp727Asn is located in the BRCT2 domain (Fox 2008, UniProt). In silico analysis, which includes protein predictors and evolutionary conservation, supports that this variant does not alter protein structure/function. Based on currently available information, it is unclear whether BARD1 Asp727Asn is pathogenic or benign. We consider it to be a variant of uncertain significance.

PreventionGenetics, part of Exact Sciences
Classification: Uncertain significance. Last evaluated: 2017-05-04. Review status: criteria provided, single submitter. Criteria: ACMG Guidelines, 2015. Collection method: clinical testing. Allele origin: germline.

Literature cited by the submitters: PubMed 29292755 (cited by Quest Diagnostics Nichols Institute San Juan Capistrano); PubMed 34153142 (cited by Quest Diagnostics Nichols Institute San Juan Capistrano); PubMed 25085752 (cited by Myriad Genetics, Inc.).

NM_000465.4(BARD1):c.2179G>A (p.Asp727Asn)

Gene: BARD1 (BRCA1 associated RING domain 1; minus strand). Cytogenetic location: 2q35.
Variant type: single nucleotide variant.
Coding change: c.2179G>A on transcript NM_000465.4 (MANE Select); coding-DNA position 2179, G replaced by A.
Protein change: p.Asp727Asn; replaces aspartic acid 727 with asparagine.
Molecular consequence: missense variant. On other transcripts: non-coding transcript variant (3).
Genome position (GRCh38, 1-based): chr2:214,728,831, C>T on the plus strand (G>A on the coding strand, the complement: BARD1 is on the minus strand). VCF-style: chr2-214728831-C-T. GRCh37 (hg19) VCF-style: chr2-215593555-C-T.
Other names: p.D727N:GAT>AAT; c.2122G>A, p.Asp708Asn (NM_001282543.2); c.826G>A, p.Asp276Asn (NM_001282545.2); c.769G>A, p.Asp257Asn (NM_001282548.2); c.640G>A, p.Asp214Asn (NM_001282549.2); short protein forms D727N, D276N, D257N, D214N, D708N.
Identifiers: ClinVar variation 182054 (VCV000182054.27), dbSNP rs730881424, ClinGen allele CA298480.